The following is an entry in ClinVar:

NM_152268.4(PARS2):c.1308del (p.Gly437fs)

Gene: PARS2 (prolyl-tRNA synthetase 2, mitochondrial; minus strand). Cytogenetic location: 1p32.3.
Variant type: Deletion.
Coding change: c.1308del on transcript NM_152268.4 (MANE Select); coding-DNA position 1308, one base deleted (T; older notation c.1308delT).
Protein change: p.Gly437fs; shifts the reading frame from glycine 437.
Molecular consequence: frameshift variant.
Genome position (GRCh38, 1-based): chr1:54,757,854, A deleted on the plus strand (T on the coding strand, the reverse complement: PARS2 is on the minus strand). VCF-style (leftmost placement, unchanged base first): chr1-54757853-CA-C. GRCh37 (hg19) VCF-style: chr1-55223526-CA-C.
Other names: short protein forms G437fs.
Identifiers: ClinVar variation 3382531 (VCV003382531.2).

ClinVar aggregate classification (germline): Uncertain significance (1 of 4 stars; one submission).

Conditions:
Developmental and epileptic encephalopathy, 75. Also called: EPILEPTIC ENCEPHALOPATHY, EARLY INFANTILE, 75. Identifiers: MedGen C5193099, MONDO:0032752, OMIM 618437.

Submission:

Juno Genomics, Hangzhou Juno Genomics, Inc
Classification: Uncertain significance for Developmental and epileptic encephalopathy, 75. Review status: criteria provided, single submitter. Criteria: ACMG Guidelines, 2015. Collection method: clinical testing. Allele origin: germline. Affected: yes.
Comment: Absent from controls (or at extremely low frequency if recessive) in Genome Aggregation Database, Exome Sequencing Project, 1000 Genomes Project, or Exome Aggregation Consortium.;Patient's phenotype or family history is highly specific for a disease with a single genetic etiology.